The following is an entry in ClinVar:

NM_004783.4(TAOK2):c.2391G>A (p.Ala797=)

Gene: TAOK2 (TAO kinase 2; plus strand). Cytogenetic location: 16p11.2.
Variant type: single nucleotide variant.
Coding change: c.2391G>A on transcript NM_004783.4; coding-DNA position 2391, G replaced by A.
Protein change: p.Ala797=; no amino-acid change (alanine 797 retained).
Molecular consequence: synonymous variant.
Genome position (GRCh38, 1-based): chr16:29,989,751, G>A. VCF-style: chr16-29989751-G-A. GRCh37 (hg19) VCF-style: chr16-30001072-G-A.
Identifiers: ClinVar variation 3052342 (VCV003052342.2), dbSNP rs146674095, ClinGen allele CA7998692.

ClinVar aggregate classification (germline): Likely benign (0 of 4 stars; one submission).

Conditions:
TAOK2-related disorder. Also called: TAOK2-related condition.

gnomAD v4.1: 96 of 1,613,834 alleles (0.0059%); highest among the groups gnomAD compares: Non-Finnish European, 0.0079%; no homozygotes.

Submission:

PreventionGenetics, part of Exact Sciences
Classification: Likely benign for TAOK2-related condition. Last evaluated: 2019-08-13. Review status: no assertion criteria provided. Collection method: clinical testing. Allele origin: germline.
Comment: This variant is classified as likely benign based on ACMG/AMP sequence variant interpretation guidelines (Richards et al. 2015 PMID: 25741868, with internal and published modifications).